The following is an entry in ClinVar:

ClinVar aggregate classification (germline): Pathogenic (1 of 4 stars; one submission).

Conditions:
Autosomal recessive spastic paraplegia type 78. Identifiers: Orphanet 513436, MedGen C5567893, MONDO:0014975, OMIM 617225.
Kufor-Rakeb syndrome (KRS). Also called: PARKINSON DISEASE 9, AUTOSOMAL RECESSIVE, JUVENILE-ONSET. Identifiers: Orphanet 306674, Orphanet 314632, MedGen C1847640, MONDO:0011706, OMIM 606693.

Submission:

Labcorp Genetics (formerly Invitae), Labcorp
Classification: Pathogenic for Kufor-Rakeb syndrome; Autosomal recessive spastic paraplegia type 78. Last evaluated: 2022-10-09. Review status: criteria provided, single submitter. Criteria: Invitae Variant Classification Sherloc (09022015). Collection method: clinical testing. Allele origin: germline.
Comment: For these reasons, this variant has been classified as Pathogenic. This variant has not been reported in the literature in individuals affected with ATP13A2-related conditions. The frequency data for this variant in the population databases is considered unreliable, as metrics indicate poor data quality at this position in the gnomAD database. This sequence change creates a premature translational stop signal (p.Val73Cysfs*20) in the ATP13A2 gene. It is expected to result in an absent or disrupted protein product. Loss-of-function variants in ATP13A2 are known to be pathogenic (PMID: 16964263, 21696388).

Literature cited by the submitters: PubMed 16964263; PubMed 21696388.

NM_022089.4(ATP13A2):c.217del (p.Val73fs)

Gene: ATP13A2 (ATPase cation transporting 13A2; minus strand). Cytogenetic location: 1p36.13.
Variant type: Deletion.
Coding change: c.217del on transcript NM_022089.4 (MANE Select); coding-DNA position 217, one base deleted (G; older notation c.217delG).
Protein change: p.Val73fs; shifts the reading frame from valine 73.
Molecular consequence: frameshift variant.
Genome position (GRCh38, 1-based): chr1:17,005,445, C deleted on the plus strand (G on the coding strand, the reverse complement: ATP13A2 is on the minus strand); the first of 6 consecutive C bases (chr1:17,005,445-17,005,450); deleting any one gives the same sequence. VCF-style (leftmost placement, unchanged base first): chr1-17005444-AC-A. GRCh37 (hg19) VCF-style: chr1-17331939-AC-A.
Other names: c.217del, p.Val73fs (NM_001141973.3, NM_001141974.3); short protein forms V73fs.
Identifiers: ClinVar variation 2931003 (VCV002931003.3), dbSNP rs1389678247, ClinGen allele CA521449970.